The following is an entry in ClinVar:

ClinVar aggregate classification (germline): conflicting data from submitters (0 of 4 stars; one submission).

Submission:

ISCA site 1
Classification: conflicting data from submitters. Last evaluated: 2016-02-29. Review status: no assertion criteria provided. Collection method: clinical testing. Allele origin: maternal, unknown, paternal. Affected: yes. Observed: 7 variant alleles. Clinical features observed: Muscular hypotonia (HP:0001252), Global developmental delay (HP:0001263), Incoordination (HP:0002311), Clitoral hypoplasia (HP:0000060), Abnormal facial shape (HP:0002260), Short stature (HP:0004322), Autism (HP:0000717), Attention deficit hyperactivity disorder (HP:0007018), Autistic behavior (HP:0000729).
Comment: Uncertain significance(4), Likely benign (3)

Copy number variation identified through the course of routine clinical cytogenomic testing in postnatal populations, with clinical assertions as classified by the original submitter. For data from the original published study, Kaminsky, et al. 2011 (PubMed 21844811), please see nstd101.

GRCh37/hg19 13q31.3(chr13:92062055-92303438)x1

Gene: GPC5 (glypican 5; plus strand). Cytogenetic location: 13q31.3.
Variant type: copy number loss.
Change: copy number 1 (one copy instead of two) of chr13:92,062,055-92,303,438 (241.4 kb, GRCh37 coordinates, 1-based), cytogenetic band 13q31.3.
Identifiers: ClinVar variation 441542 (VCV000441542.2).